The following is an entry in ClinVar:

NM_000481.4(AMT):c.857G>A (p.Gly286Asp)

Gene: AMT (aminomethyltransferase; minus strand). Cytogenetic location: 3p21.31.
Variant type: single nucleotide variant.
Coding change: c.857G>A on transcript NM_000481.4 (MANE Select); coding-DNA position 857, G replaced by A.
Protein change: p.Gly286Asp; replaces glycine 286 with aspartic acid.
Molecular consequence: missense variant. On other transcripts: non-coding transcript variant (1).
Genome position (GRCh38, 1-based): chr3:49,418,991, C>T on the plus strand (G>A on the coding strand, the complement: AMT is on the minus strand). VCF-style: chr3-49418991-C-T. GRCh37 (hg19) VCF-style: chr3-49456424-C-T.
Other names: c.725G>A, p.Gly242Asp (NM_001164710.2); c.689G>A, p.Gly230Asp (NM_001164711.2); c.857G>A, p.Gly286Asp (NM_001164712.2); short protein forms G286D, G230D, G242D.
Identifiers: ClinVar variation 855390 (VCV000855390.7), dbSNP rs2049049669, ClinGen allele CA352789697.
Genomic context (GRCh38, chr3:49,418,991, plus strand): 5'-GACCTCCAGGACCCTATCCTTTAGTGCTGGCCCAGCTCACCCAGTGTCCAACTGAGGCTG[C>T]CCTCCACAGGTGTAGTGTGTTCATCAATGTCATTCCCATACAGGCAGAGGCCTGCCTCCA-3'
Protein context (NP_000472.2, residues 276-296): DIDEHTTPVE[Gly286Asp]SLSWTLGKRR

ClinVar aggregate classification (germline): Uncertain significance (1 of 4 stars; one submission).

Conditions:
Glycine encephalopathy. Also called: Nonketotic hyperglycinemia; Non-ketotic hyperglycinemia. Identifiers: Orphanet 407, MedGen C0751748, MONDO:0011612, HP:0008288.

Submission:

Labcorp Genetics (formerly Invitae), Labcorp
Classification: Uncertain significance for Glycine encephalopathy. Last evaluated: 2019-02-18. Review status: criteria provided, single submitter. Criteria: Invitae Variant Classification Sherloc (09022015). Collection method: clinical testing. Allele origin: germline.
Comment: This variant is not present in population databases (ExAC no frequency). In summary, the available evidence is currently insufficient to determine the role of this variant in disease. Therefore, it has been classified as a Variant of Uncertain Significance. Algorithms developed to predict the effect of missense changes on protein structure and function are either unavailable or do not agree on the potential impact of this missense change (SIFT: "Deleterious"; PolyPhen-2: "Probably Damaging"; Align-GVGD: "Class C15"). This variant has not been reported in the literature in individuals with AMT-related conditions. This sequence change replaces glycine with aspartic acid at codon 286 of the AMT protein (p.Gly286Asp). The glycine residue is weakly conserved and there is a moderate physicochemical difference between glycine and aspartic acid.